The following is an entry in ClinVar:

NM_004453.4(ETFDH):c.405+1G>A

Gene: ETFDH (electron transfer flavoprotein dehydrogenase; plus strand). Cytogenetic location: 4q32.1.
Variant type: single nucleotide variant.
Coding change: c.405+1G>A on transcript NM_004453.4 (MANE Select); the canonical splice donor site of the intron after coding-DNA position 405, G replaced by A.
Molecular consequence: splice donor variant.
Genome position (GRCh38, 1-based): chr4:158,682,425, G>A. VCF-style: chr4-158682425-G-A. GRCh37 (hg19) VCF-style: chr4-159603577-G-A.
Other names: c.264+1G>A (NM_001281737.2); c.222+1G>A (NM_001281738.1); c.405+1G>A (NM_004453.3).
Identifiers: ClinVar variation 3720599 (VCV003720599.5).

ClinVar aggregate classification (germline): Likely pathogenic. Review status: criteria provided, multiple submitters, no conflicts (2 of 4 stars). 3 submissions from 3 submitters: Likely pathogenic (3). Last evaluated 2025-11-27.

Conditions:
Glutaric acidemia type 2C.
Multiple acyl-CoA dehydrogenase deficiency (MADD). Also called: Glutaric Acidemia type 2; Glutaric aciduria, type 2; Glutaric acidemia type II; GA 2; ETHYLMALONIC-ADIPICACIDURIA; GA II. Identifiers: Orphanet 26791, MedGen C0268596, MONDO:0009282, OMIM 231680.

Submissions (3):

Natera, Inc.
Classification: Likely pathogenic for Glutaric acidemia type 2C. Last evaluated: 2025-11-27. Review status: criteria provided, single submitter. Criteria: Natera Variant Classification Schema (03/2026). Collection method: clinical testing. Allele origin: germline.
Comment: The c.405+1G>A variant in ETFDH is a canonical splice donor site variant predicted to affect pre-mRNA splicing, which may result in an abnormal transcript and altered protein product. This variant is expected to result in nonsense mediated decay, truncation, or a dysfunctional protein product. This variant is rare in the general population with a frequency below the threshold expected for the associated phenotype(s). Given the available evidence, this variant is classified as Likely Pathogenic.

Labcorp Genetics (formerly Invitae), Labcorp
Classification: Likely pathogenic for Multiple acyl-CoA dehydrogenase deficiency. Last evaluated: 2024-10-02. Review status: criteria provided, single submitter. Criteria: Invitae Variant Classification Sherloc (09022015). Collection method: clinical testing. Allele origin: germline.
Comment: This sequence change affects a donor splice site in intron 3 of the ETFDH gene. It is expected to disrupt RNA splicing. Variants that disrupt the donor or acceptor splice site typically lead to a loss of protein function (PMID: 16199547), and loss-of-function variants in ETFDH are known to be pathogenic (PMID: 16510302, 23785301). This variant is not present in population databases (gnomAD no frequency). Disruption of this splice site has been observed in individual(s) with multiple acyl-CoA dehydrogenase (MAD) deficiency (PMID: 19758981, 24357026). This variant is also known as IVS3+1G/A. Algorithms developed to predict the effect of sequence changes on RNA splicing suggest that this variant may disrupt the consensus splice site. In summary, the currently available evidence indicates that the variant is pathogenic, but additional data are needed to prove that conclusively. Therefore, this variant has been classified as Likely Pathogenic.

Juno Genomics, Hangzhou Juno Genomics, Inc
Classification: Likely pathogenic for Multiple acyl-CoA dehydrogenase deficiency. Review status: criteria provided, single submitter. Criteria: ACMG Guidelines, 2015. Collection method: clinical testing. Allele origin: germline.
Comment: Null variant in a gene where loss of function (LOF) is a known mechanism of disease.;Absent from controls (or at extremely low frequency if recessive) in Genome Aggregation Database.

Literature cited by the submitters: PubMed 16199547 (cited by Labcorp Genetics (formerly Invitae), Labcorp); PubMed 16510302 (cited by Labcorp Genetics (formerly Invitae), Labcorp); PubMed 23785301 (cited by Labcorp Genetics (formerly Invitae), Labcorp); PubMed 19758981 (cited by Labcorp Genetics (formerly Invitae), Labcorp); PubMed 24357026 (cited by Labcorp Genetics (formerly Invitae), Labcorp).